The following is an entry in ClinVar:

ClinVar aggregate classification (germline): Uncertain significance. Review status: criteria provided, multiple submitters, no conflicts (2 of 4 stars). 3 submissions from 3 submitters: Uncertain significance (3). Last evaluated 2024-12-04.

Conditions:
Inborn genetic diseases. Identifiers: MedGen C0950123, MeSH D030342.
Baller-Gerold syndrome (BGS). Also called: CRANIOSYNOSTOSIS WITH RADIAL DEFECTS. Identifiers: Orphanet 1225, MedGen C0265308, MONDO:0009039, OMIM 218600.

Allele frequency attached by ClinVar (database versions not stated): TOPMed 0.00001; gnomAD 0.00003.
gnomAD v4.1: 20 of 1,610,036 alleles (0.0012%); highest among the groups gnomAD compares: African/African-American, 0.011%; no homozygotes.

Submissions (3):

Ambry Genetics
Classification: Uncertain significance for Inborn genetic diseases. Last evaluated: 2024-12-04. Review status: criteria provided, single submitter. Criteria: Ambry Variant Classification Scheme 2023. Collection method: clinical testing. Allele origin: germline.
Comment: The p.R367Q variant (also known as c.1100G>A), located in coding exon 5 of the RECQL4 gene, results from a G to A substitution at nucleotide position 1100. The arginine at codon 367 is replaced by glutamine, an amino acid with highly similar properties. This amino acid position is conserved. In addition, this alteration is predicted to be tolerated by in silico analysis. Based on the available evidence, the clinical significance of this variant remains unclear.

Labcorp Genetics (formerly Invitae), Labcorp
Classification: Uncertain significance for Baller-Gerold syndrome. Last evaluated: 2024-07-08. Review status: criteria provided, single submitter. Criteria: Invitae Variant Classification Sherloc (09022015). Collection method: clinical testing. Allele origin: germline.
Comment: This sequence change replaces arginine, which is basic and polar, with glutamine, which is neutral and polar, at codon 367 of the RECQL4 protein (p.Arg367Gln). This variant is present in population databases (no rsID available, gnomAD 0.004%). This variant has not been reported in the literature in individuals affected with RECQL4-related conditions. ClinVar contains an entry for this variant (Variation ID: 407002). Advanced modeling of protein sequence and biophysical properties (such as structural, functional, and spatial information, amino acid conservation, physicochemical variation, residue mobility, and thermodynamic stability) performed at Invitae indicates that this missense variant is not expected to disrupt RECQL4 protein function with a negative predictive value of 80%. In summary, the available evidence is currently insufficient to determine the role of this variant in disease. Therefore, it has been classified as a Variant of Uncertain Significance.

ARUP Laboratories, Molecular Genetics and Genomics, ARUP Laboratories
Classification: Uncertain significance. Last evaluated: 2019-09-25. Review status: criteria provided, single submitter. Criteria: ARUP Molecular Germline Variant Investigation Process. Collection method: clinical testing. Allele origin: germline.

NM_004260.4(RECQL4):c.1100G>A (p.Arg367Gln)

Gene: RECQL4 (RecQ like helicase 4; minus strand). Cytogenetic location: 8q24.3.
Variant type: single nucleotide variant.
Coding change: c.1100G>A on transcript NM_004260.4 (MANE Select); coding-DNA position 1100, G replaced by A.
Protein change: p.Arg367Gln; replaces arginine 367 with glutamine.
Molecular consequence: missense variant.
Genome position (GRCh38, 1-based): chr8:144,516,019, C>T on the plus strand (G>A on the coding strand, the complement: RECQL4 is on the minus strand). VCF-style: chr8-144516019-C-T. GRCh37 (hg19) VCF-style: chr8-145741403-C-T.
Other names: short protein forms R367Q.
Identifiers: ClinVar variation 407002 (VCV000407002.17), dbSNP rs766344677, ClinGen allele CA16612390.